The following is an entry in ClinVar:

ClinVar aggregate classification (germline): Uncertain significance (1 of 4 stars; one submission).

Conditions:
PHGDH deficiency. Identifiers: Orphanet 79351, MedGen C1866174, MONDO:0011152, OMIM 601815.

Submission:

Labcorp Genetics (formerly Invitae), Labcorp
Classification: Uncertain significance for PHGDH deficiency. Last evaluated: 2021-12-19. Review status: criteria provided, single submitter. Criteria: Invitae Variant Classification Sherloc (09022015). Collection method: clinical testing. Allele origin: germline.
Comment: In summary, the available evidence is currently insufficient to determine the role of this variant in disease. Therefore, it has been classified as a Variant of Uncertain Significance. Experimental studies and prediction algorithms are not available or were not evaluated, and the functional significance of this variant is currently unknown. This variant has not been reported in the literature in individuals affected with PHGDH-related conditions. Information on the frequency of this variant in the gnomAD database is not available, as this variant may be reported differently in the database. This variant, c.1197_1198delinsTT, is a complex sequence change that results in the deletion of 2 and insertion of 2 amino acid(s) in the PHGDH protein (p.Glu399_Ala400delinsAspSer).

NM_006623.4(PHGDH):c.1197_1198delinsTT (p.Glu399_Ala400delinsAspSer)

Gene: PHGDH (phosphoglycerate dehydrogenase; plus strand). Cytogenetic location: 1p12.
Variant type: Indel.
Coding change: c.1197_1198delinsTT on transcript NM_006623.4 (MANE Select); coding-DNA positions 1197 to 1198, GG replaced by TT.
Protein change: p.Glu399_Ala400delinsAspSer.
Molecular consequence: missense variant.
Genome position (GRCh38, 1-based): chr1:119,741,885-119,741,886, GG replaced by TT. VCF-style: chr1-119741885-GG-TT. GRCh37 (hg19) VCF-style: chr1-120284508-GG-TT.
Identifiers: ClinVar variation 1449178 (VCV001449178.9), dbSNP rs2101221402, ClinGen allele CA2573131043.